The following is an entry in ClinVar:

ClinVar aggregate classification (germline): Uncertain significance (1 of 4 stars; one submission).

Conditions:
Neurofibromatosis, type 1 (NF1). Also called: VON RECKLINGHAUSEN DISEASE; Neurofibromatosis, type I; Peripheral type neurofibromatosis; NEUROFIBROMATOSIS, TYPE I, SOMATIC. Identifiers: Orphanet 636, MedGen C0027831, MONDO:0018975, OMIM 162200. Disease mechanism: loss of function.

gnomAD v4.1: 1 of 1,609,866 alleles (0.000062%); highest among the groups gnomAD compares: South Asian, 0.0011%; no homozygotes.

Submission:

Labcorp Genetics (formerly Invitae), Labcorp
Classification: Uncertain significance for Neurofibromatosis, type 1. Last evaluated: 2025-02-25. Review status: criteria provided, single submitter. Criteria: Invitae Variant Classification Sherloc (09022015). Collection method: clinical testing. Allele origin: germline.
Comment: This sequence change falls in intron 28 of the NF1 gene. It does not directly change the encoded amino acid sequence of the NF1 protein. This variant is not present in population databases (gnomAD no frequency). This variant has not been reported in the literature in individuals affected with NF1-related conditions. ClinVar contains an entry for this variant (Variation ID: 2855212). Algorithms developed to predict the effect of sequence changes on RNA splicing suggest that this variant may disrupt the consensus splice site. In summary, the available evidence is currently insufficient to determine the role of this variant in disease. Therefore, it has been classified as a Variant of Uncertain Significance.

NM_001042492.3(NF1):c.3871-15C>A

Gene: NF1 (neurofibromin 1; plus strand). Cytogenetic location: 17q11.2.
Variant type: single nucleotide variant.
Coding change: c.3871-15C>A on transcript NM_001042492.3 (MANE Select); 15 bases into the intron before coding-DNA position 3871, C replaced by A.
Molecular consequence: intron variant.
Genome position (GRCh38, 1-based): chr17:31,235,903, C>A. VCF-style: chr17-31235903-C-A. GRCh37 (hg19) VCF-style: chr17-29562921-C-A.
Other names: c.3871-15C>A (NM_000267.4).
Identifiers: ClinVar variation 2855212 (VCV002855212.3), dbSNP rs200104394, ClinGen allele CA2573320588.